The following is an entry in ClinVar:

ClinVar aggregate classification (germline): Benign/Likely benign. Review status: criteria provided, multiple submitters, no conflicts (2 of 4 stars). 2 submissions from 2 submitters: Benign (1); Likely benign (1). Last evaluated 2025-11-05.

Allele frequency attached by ClinVar (database versions not stated): ExAC 0.00014.
gnomAD v4.1: 203 of 1,613,598 alleles (0.013%); highest among the groups gnomAD compares: South Asian, 0.11%; no homozygotes.

Submissions (2):

Labcorp Genetics (formerly Invitae), Labcorp
Classification: Benign. Last evaluated: 2025-11-05. Review status: criteria provided, single submitter. Criteria: Invitae Variant Classification Sherloc (09022015). Collection method: clinical testing. Allele origin: germline.

CeGaT Center for Human Genetics Tuebingen
Classification: Likely benign. Last evaluated: 2024-11-01. Review status: criteria provided, single submitter. Criteria: CeGaT Center For Human Genetics Tuebingen Variant Classification Criteria Version 2. Collection method: clinical testing. Allele origin: germline. Affected: yes. Observed: 1 variant allele.
Comment: AUTS2: BP4, BP7, BS1

NM_015570.4(AUTS2):c.765G>A (p.Thr255=)

Gene: AUTS2 (activator of transcription and developmental regulator AUTS2; plus strand). Cytogenetic location: 7q11.22.
Variant type: single nucleotide variant.
Coding change: c.765G>A on transcript NM_015570.4 (MANE Select); coding-DNA position 765, G replaced by A.
Protein change: p.Thr255=; no amino-acid change (threonine 255 retained).
Molecular consequence: synonymous variant.
Genome position (GRCh38, 1-based): chr7:70,762,892, G>A. VCF-style: chr7-70762892-G-A. GRCh37 (hg19) VCF-style: chr7-70227878-G-A.
Other names: c.765G>A, p.Thr255= (NM_001127231.3).
Identifiers: ClinVar variation 2050806 (VCV002050806.18), dbSNP rs758258700, ClinGen allele CA4280487.
Genomic context (GRCh38, chr7:70,762,892, plus strand): 5'-CATTGCCTGTGGTTTTGTCTTTGCTCTCTCCCATGCAGATCCGGAGTTAGGTGTTGGCAC[G>A]CTACCAGAACATGACAGCCAGGATGCAGGGCCGATTGTCCCCAAGATATCGGGTCTAGAG-3'
Protein context (NP_056385.1, residues 245-265): VNKDPELGVG[Thr255=]LPEHDSQDAG